The following is an entry in ClinVar:

ClinVar aggregate classification (germline): Uncertain significance. Review status: criteria provided, multiple submitters, no conflicts (2 of 4 stars). 2 submissions from 2 submitters: Uncertain significance (2). Last evaluated 2024-09-04.

Allele frequency attached by ClinVar (database versions not stated): ExAC 0.00002.
gnomAD v4.1: 54 of 1,614,066 alleles (0.0033%); highest among the groups gnomAD compares: Admixed American, 0.005%; no homozygotes.

Submissions (2):

Ambry Genetics
Classification: Uncertain significance. Last evaluated: 2024-09-04. Review status: criteria provided, single submitter. Criteria: Ambry Variant Classification Scheme 2023. Collection method: clinical testing. Allele origin: germline.

Labcorp Genetics (formerly Invitae), Labcorp
Classification: Uncertain significance. Last evaluated: 2024-01-17. Review status: criteria provided, single submitter. Criteria: Invitae Variant Classification Sherloc (09022015). Collection method: clinical testing. Allele origin: germline.
Comment: This sequence change replaces arginine, which is basic and polar, with tryptophan, which is neutral and slightly polar, at codon 607 of the ATP4A protein (p.Arg607Trp). This variant is present in population databases (rs766648576, gnomAD 0.006%). This variant has not been reported in the literature in individuals affected with ATP4A-related conditions. Advanced modeling of protein sequence and biophysical properties (such as structural, functional, and spatial information, amino acid conservation, physicochemical variation, residue mobility, and thermodynamic stability) performed at Invitae indicates that this missense variant is expected to disrupt ATP4A protein function with a positive predictive value of 80%. In summary, the available evidence is currently insufficient to determine the role of this variant in disease. Therefore, it has been classified as a Variant of Uncertain Significance.

NM_000704.3(ATP4A):c.1819C>T (p.Arg607Trp)

Gene: ATP4A (ATPase H+/K+ transporting subunit alpha; minus strand). Cytogenetic location: 19q13.12.
Variant type: single nucleotide variant.
Coding change: c.1819C>T on transcript NM_000704.3 (MANE Select); coding-DNA position 1819, C replaced by T.
Protein change: p.Arg607Trp; replaces arginine 607 with tryptophan.
Molecular consequence: missense variant.
Genome position (GRCh38, 1-based): chr19:35,556,963, G>A on the plus strand (C>T on the coding strand, the complement: ATP4A is on the minus strand). VCF-style: chr19-35556963-G-A. GRCh37 (hg19) VCF-style: chr19-36047865-G-A.
Other names: c.1819C>T (NM_000704.2); short protein forms R607W.
Identifiers: ClinVar variation 2907467 (VCV002907467.4), dbSNP rs766648576, ClinGen allele CA9380970.
Genomic context (GRCh38, chr19:35,556,963, plus strand): 5'-AGTGGCATACCCGGATGCCTGCGGTGCGACACTTGAGCACAGCATCAGGGACGGTGGCCC[G>A]GGGTGGGTCAATCATGGATACAAGTCCCGCAAAGCAGAGGCCGCTAGATGGAAAGTTCAT-3'
Protein context (NP_000695.2, residues 597-617): AGLVSMIDPP[Arg607Trp]ATVPDAVLKC